The following is an entry in ClinVar:

ClinVar aggregate classification (germline): Uncertain significance. Review status: criteria provided, multiple submitters, no conflicts (2 of 4 stars). 4 submissions from 4 submitters: Uncertain significance (4). Last evaluated 2026-01-19.

Conditions:
Parathyroid carcinoma (PRTC). Also called: CDC73-Related Parathyroid Carcinoma; Parathyroid gland carcinoma. Identifiers: Orphanet 143, MedGen C0687150, MONDO:0012004, OMIM 608266, HP:0006780.
Hyperparathyroidism 1 (HRPT1). Also called: HYPERPARATHYROIDISM, FAMILIAL ISOLATED PRIMARY. Identifiers: Orphanet 99879, MedGen C1840402, MONDO:0007767, OMIM 145000.
Hereditary cancer-predisposing syndrome. Also called: Neoplastic Syndromes, Hereditary; Hereditary neoplastic syndrome; Hereditary Cancer Syndrome; Tumor predisposition. Identifiers: Orphanet 140162, MedGen C0027672, MeSH D009386, MONDO:0015356.
Hyperparathyroidism 2 with jaw tumors. Also called: Hyperparathyroidism 2; HYPERPARATHYROIDISM, FAMILIAL PRIMARY, WITH MULTIPLE OSSIFYING JAW FIBROMAS; HYPERPARATHYROIDISM-JAW TUMOR SYNDROME, HEREDITARY; Hyperparathyroidism-Jaw Tumor Syndrome. Identifiers: Orphanet 99880, MedGen C1704981, MONDO:0007768, OMIM 145001.

Allele frequency attached by ClinVar (database versions not stated): gnomAD below 0.00001 and 0.00002; gnomAD exomes below 0.00001; ExAC 0.00003.
gnomAD v4.1: 8 of 1,581,932 alleles (0.00051%); highest among the groups gnomAD compares: South Asian, 0.0056%; 1 homozygote.

Submissions (4):

Labcorp Genetics (formerly Invitae), Labcorp
Classification: Uncertain significance for Parathyroid carcinoma. Last evaluated: 2026-01-19. Review status: criteria provided, single submitter. Criteria: Invitae Variant Classification Sherloc (09022015). Collection method: clinical testing. Allele origin: germline.
Comment: This sequence change replaces asparagine, which is neutral and polar, with serine, which is neutral and polar, at codon 244 of the CDC73 protein (p.Asn244Ser). This variant is present in population databases (rs368199363, gnomAD 0.006%). This variant has not been reported in the literature in individuals affected with CDC73-related conditions. ClinVar contains an entry for this variant (Variation ID: 947349). An algorithm developed to predict the effect of missense changes on protein structure and function (PolyPhen-2) suggests that this variant is likely to be tolerated. In summary, the available evidence is currently insufficient to determine the role of this variant in disease. Therefore, it has been classified as a Variant of Uncertain Significance.

Ambry Genetics
Classification: Uncertain significance for Hereditary cancer-predisposing syndrome. Last evaluated: 2025-08-20. Review status: criteria provided, single submitter. Criteria: Ambry Variant Classification Scheme 2023. Collection method: clinical testing. Allele origin: germline.
Comment: The p.N244S variant (also known as c.731A>G), located in coding exon 8 of the CDC73 gene, results from an A to G substitution at nucleotide position 731. The asparagine at codon 244 is replaced by serine, an amino acid with highly similar properties. This amino acid position is well conserved in available vertebrate species. In addition, this alteration is predicted to be tolerated by in silico analysis. Since supporting evidence is limited at this time, the clinical significance of this alteration remains unclear.

Baylor Genetics
Classification: Uncertain significance for Hyperparathyroidism 1. Last evaluated: 2023-07-01. Review status: criteria provided, single submitter. Criteria: ACMG Guidelines, 2015. Collection method: clinical testing. Allele origin: unknown.

Fulgent Genetics
Classification: Uncertain significance for Hyperparathyroidism 1; Hyperparathyroidism 2 with jaw tumors; Parathyroid carcinoma. Last evaluated: 2022-03-02. Review status: criteria provided, single submitter. Criteria: ACMG Guidelines, 2015. Collection method: clinical testing. Allele origin: unknown.

NM_024529.5(CDC73):c.731A>G (p.Asn244Ser)

Gene: CDC73 (cell division cycle 73; plus strand). Cytogenetic location: 1q31.2.
Variant type: single nucleotide variant.
Coding change: c.731A>G on transcript NM_024529.5 (MANE Select); coding-DNA position 731, A replaced by G.
Protein change: p.Asn244Ser; replaces asparagine 244 with serine.
Molecular consequence: missense variant.
Genome position (GRCh38, 1-based): chr1:193,147,868, A>G. VCF-style: chr1-193147868-A-G. GRCh37 (hg19) VCF-style: chr1-193116998-A-G.
Other names: short protein forms N244S.
Identifiers: ClinVar variation 947349 (VCV000947349.17), dbSNP rs368199363, ClinGen allele CA1303455.